The following is an entry in ClinVar:

ClinVar aggregate classification (germline): Uncertain significance. Review status: criteria provided, multiple submitters, no conflicts (2 of 4 stars). 4 submissions from 4 submitters: Uncertain significance (4). Last evaluated 2025-05-06.

Conditions:
Focal segmental glomerulosclerosis 6 (FSGS6). Identifiers: Orphanet 656, MedGen C3279905, MONDO:0013589, OMIM 614131.
Inborn genetic diseases. Identifiers: MedGen C0950123, MeSH D030342.

Allele frequency attached by ClinVar (database versions not stated): TOPMed 0.00008.
gnomAD v4.1: 37 of 1,613,230 alleles (0.0023%); highest among the groups gnomAD compares: Admixed American, 0.057%; no homozygotes.

Submissions (4):

Ambry Genetics
Classification: Uncertain significance for Inborn genetic diseases. Last evaluated: 2025-05-06. Review status: criteria provided, single submitter. Criteria: Ambry Variant Classification Scheme 2023. Collection method: clinical testing. Allele origin: germline.

Labcorp Genetics (formerly Invitae), Labcorp
Classification: Uncertain significance. Last evaluated: 2024-08-10. Review status: criteria provided, single submitter. Criteria: Invitae Variant Classification Sherloc (09022015). Collection method: clinical testing. Allele origin: germline.
Comment: This sequence change replaces proline, which is neutral and non-polar, with threonine, which is neutral and polar, at codon 540 of the MYO1E protein (p.Pro540Thr). This variant is present in population databases (rs372880204, gnomAD 0.08%). This variant has not been reported in the literature in individuals affected with MYO1E-related conditions. ClinVar contains an entry for this variant (Variation ID: 1013686). An algorithm developed to predict the effect of missense changes on protein structure and function (PolyPhen-2) suggests that this variant is likely to be tolerated. In summary, the available evidence is currently insufficient to determine the role of this variant in disease. Therefore, it has been classified as a Variant of Uncertain Significance.

GeneDx
Classification: Uncertain significance. Last evaluated: 2024-05-24. Review status: criteria provided, single submitter. Criteria: GeneDx Variant Classification Process June 2021. Collection method: clinical testing. Allele origin: germline. Affected: yes.
Comment: In silico analysis indicates that this missense variant does not alter protein structure/function; Has not been previously published as pathogenic or benign to our knowledge

Fulgent Genetics
Classification: Uncertain significance for Focal segmental glomerulosclerosis 6. Last evaluated: 2021-11-23. Review status: criteria provided, single submitter. Criteria: ACMG Guidelines, 2015. Collection method: clinical testing. Allele origin: unknown.

NM_004998.4(MYO1E):c.1618C>A (p.Pro540Thr)

Gene: MYO1E (myosin IE; minus strand). Cytogenetic location: 15q22.2.
Variant type: single nucleotide variant.
Coding change: c.1618C>A on transcript NM_004998.4 (MANE Select); coding-DNA position 1618, C replaced by A.
Protein change: p.Pro540Thr; replaces proline 540 with threonine.
Molecular consequence: missense variant.
Genome position (GRCh38, 1-based): chr15:59,202,406, G>T on the plus strand (C>A on the coding strand, the complement: MYO1E is on the minus strand). VCF-style: chr15-59202406-G-T. GRCh37 (hg19) VCF-style: chr15-59494605-G-T.
Other names: c.1618C>A (NM_004998.2, NM_004998.3); short protein forms P540T.
Identifiers: ClinVar variation 1013686 (VCV001013686.14), dbSNP rs372880204, ClinGen allele CA7589555.